The following is an entry in ClinVar:

ClinVar aggregate classification (germline): Uncertain significance (1 of 4 stars; one submission).

Conditions:
Hypertrophic cardiomyopathy. Also called: HYPERTROPHIC MYOCARDIOPATHY. Identifiers: Orphanet 217569, MedGen C0007194, MeSH D002312, MONDO:0005045, HP:0001639.

Allele frequency attached by ClinVar (database versions not stated): gnomAD exomes below 0.00001.
gnomAD v4.1: 1 of 1,528,652 alleles (0.000065%); highest among the groups gnomAD compares: Admixed American, 0.002%; no homozygotes.

Submission:

Labcorp Genetics (formerly Invitae), Labcorp
Classification: Uncertain significance for Hypertrophic cardiomyopathy. Last evaluated: 2022-03-23. Review status: criteria provided, single submitter. Criteria: Invitae Variant Classification Sherloc (09022015). Collection method: clinical testing. Allele origin: germline.
Comment: In summary, the available evidence is currently insufficient to determine the role of this variant in disease. Therefore, it has been classified as a Variant of Uncertain Significance. Algorithms developed to predict the effect of missense changes on protein structure and function output the following: SIFT: "Tolerated"; PolyPhen-2: "Benign"; Align-GVGD: "Class C0". The arginine amino acid residue is found in multiple mammalian species, which suggests that this missense change does not adversely affect protein function. This variant has not been reported in the literature in individuals affected with JPH2-related conditions. This variant is present in population databases (no rsID available, gnomAD 0.004%). This sequence change replaces lysine, which is basic and polar, with arginine, which is basic and polar, at codon 229 of the JPH2 protein (p.Lys229Arg).

NM_020433.5(JPH2):c.686A>G (p.Lys229Arg)

Gene: JPH2 (junctophilin 2; minus strand). Cytogenetic location: 20q13.12.
Variant type: single nucleotide variant.
Coding change: c.686A>G on transcript NM_020433.5 (MANE Select); coding-DNA position 686, A replaced by G.
Protein change: p.Lys229Arg; replaces lysine 229 with arginine.
Molecular consequence: missense variant.
Genome position (GRCh38, 1-based): chr20:44,160,101, T>C on the plus strand (A>G on the coding strand, the complement: JPH2 is on the minus strand). VCF-style: chr20-44160101-T-C. GRCh37 (hg19) VCF-style: chr20-42788741-T-C.
Other names: short protein forms K229R.
Identifiers: ClinVar variation 2115922 (VCV002115922.4), dbSNP rs1460713621, ClinGen allele CA409093886.